The following is an entry in ClinVar:

NM_000179.3(MSH6):c.895A>G (p.Lys299Glu)

Gene: MSH6 (mutS homolog 6; plus strand). Cytogenetic location: 2p16.3.
Variant type: single nucleotide variant.
Coding change: c.895A>G on transcript NM_000179.3 (MANE Select); coding-DNA position 895, A replaced by G.
Protein change: p.Lys299Glu; replaces lysine 299 with glutamic acid.
Molecular consequence: missense variant. On other transcripts: 5 prime UTR variant (2).
Genome position (GRCh38, 1-based): chr2:47,798,878, A>G. VCF-style: chr2-47798878-A-G. GRCh37 (hg19) VCF-style: chr2-48026017-A-G.
Other names: c.505A>G, p.Lys169Glu (NM_001281492.2); c.-12A>G (NM_001281493.2, NM_001281494.2); short protein forms K299E, K169E.
Identifiers: ClinVar variation 505514 (VCV000505514.13), dbSNP rs1553412326, ClinGen allele CA346740692.

ClinVar aggregate classification (germline): Uncertain significance. Review status: criteria provided, multiple submitters, no conflicts (2 of 4 stars). 4 submissions from 4 submitters: Uncertain significance (4). Last evaluated 2024-08-15.

Conditions:
Lynch syndrome. Identifiers: Orphanet 144, MedGen C4552100, MONDO:0005835. Disease mechanism: loss of function.
Hereditary nonpolyposis colorectal neoplasms. Identifiers: MedGen C0009405, MeSH D003123.
Hereditary cancer-predisposing syndrome. Also called: Neoplastic Syndromes, Hereditary; Hereditary Cancer Syndrome; Tumor predisposition; Hereditary neoplastic syndrome. Identifiers: Orphanet 140162, MedGen C0027672, MeSH D009386, MONDO:0015356.

Submissions (4):

Ambry Genetics
Classification: Uncertain significance for Hereditary cancer-predisposing syndrome. Last evaluated: 2024-08-15. Review status: criteria provided, single submitter. Criteria: Ambry Variant Classification Scheme 2023. Collection method: clinical testing. Allele origin: germline.
Comment: The p.K299E variant (also known as c.895A>G), located in coding exon 4 of the MSH6 gene, results from an A to G substitution at nucleotide position 895. The lysine at codon 299 is replaced by glutamic acid, an amino acid with similar properties. This amino acid position is highly conserved in available vertebrate species. In addition, this alteration is predicted to be deleterious by in silico analysis. Based on the available evidence, the clinical significance of this variant remains unclear.

All of Us Research Program, National Institutes of Health
Classification: Uncertain significance for Lynch syndrome. Last evaluated: 2023-08-15. Review status: criteria provided, single submitter. Criteria: ACMG Guidelines, 2015. Collection method: clinical testing. Allele origin: germline. Inheritance: Autosomal dominant inheritance. Observed: 1 variant allele, 1 heterozygote.
Comment: This missense variant replaces lysine with glutamic acid at codon 299 of the MSH6 protein. Computational prediction is inconclusive regarding the impact of this variant on protein structure and function (internally defined REVEL score threshold 0.5 < inconclusive < 0.7, PMID: 27666373). To our knowledge, functional studies have not been reported for this variant. This variant has been reported in an individual affected with colorectal cancer or colon polys (PMID: 31422818) and an individual affected with prostate cancer (PMID: 32832836). This variant has not been identified in the general population by the Genome Aggregation Database (gnomAD). The available evidence is insufficient to determine the role of this variant in disease conclusively. Therefore, this variant is classified as a Variant of Uncertain Significance.

This study involves interpretation of variants in research participants for the purpose of population health screening. Participant phenotype was not available at the time of variant classification. Additional details can be found in publication PMID: 35346344, PMCID: PMC8962531

Labcorp Genetics (formerly Invitae), Labcorp
Classification: Uncertain significance for Hereditary nonpolyposis colorectal neoplasms. Last evaluated: 2022-09-25. Review status: criteria provided, single submitter. Criteria: Invitae Variant Classification Sherloc (09022015). Collection method: clinical testing. Allele origin: germline.
Comment: This sequence change replaces lysine, which is basic and polar, with glutamic acid, which is acidic and polar, at codon 299 of the MSH6 protein (p.Lys299Glu). This variant is not present in population databases (gnomAD no frequency). This variant has not been reported in the literature in individuals affected with MSH6-related conditions. ClinVar contains an entry for this variant (Variation ID: 505514). Advanced modeling of protein sequence and biophysical properties (such as structural, functional, and spatial information, amino acid conservation, physicochemical variation, residue mobility, and thermodynamic stability) performed at Invitae indicates that this missense variant is not expected to disrupt MSH6 protein function. In summary, the available evidence is currently insufficient to determine the role of this variant in disease. Therefore, it has been classified as a Variant of Uncertain Significance.

Laboratory for Molecular Medicine, Mass General Brigham Personalized Medicine
Classification: Uncertain significance. Last evaluated: 2017-01-11. Review status: criteria provided, single submitter. Criteria: LMM Criteria. Collection method: clinical testing. Allele origin: germline. Observed: 1 variant allele.
Comment: The p.Lys299Glu variant in MSH6 has not been previously reported in individuals with Lynch syndrome and was absent from large population studies. Computational prediction tools and conservation analysis do not provide strong support for or against an impact to the protein. In summary, the clinical significance of the p .Lys299Glu variant is uncertain.

Literature cited by the submitters: PubMed 31422818 (cited by All of Us Research Program, National Institutes of Health); PubMed 32832836 (cited by All of Us Research Program, National Institutes of Health).